The following is an entry in ClinVar:

ClinVar aggregate classification (germline): Uncertain significance (1 of 4 stars; one submission).

Allele frequency attached by ClinVar (database versions not stated): gnomAD 0.00001; TOPMed 0.00001.
gnomAD v4.1: 21 of 1,537,180 alleles (0.0014%); highest among the groups gnomAD compares: Middle Eastern, 0.017%; no homozygotes.

Submission:

Labcorp Genetics (formerly Invitae), Labcorp
Classification: Uncertain significance. Last evaluated: 2021-12-29. Review status: criteria provided, single submitter. Criteria: Invitae Variant Classification Sherloc (09022015). Collection method: clinical testing. Allele origin: germline.
Comment: This sequence change replaces proline, which is neutral and non-polar, with leucine, which is neutral and non-polar, at codon 777 of the NOTCH3 protein (p.Pro777Leu). In summary, the available evidence is currently insufficient to determine the role of this variant in disease. Therefore, it has been classified as a Variant of Uncertain Significance. Advanced modeling of protein sequence and biophysical properties (such as structural, functional, and spatial information, amino acid conservation, physicochemical variation, residue mobility, and thermodynamic stability) performed at Invitae indicates that this missense variant is not expected to disrupt NOTCH3 protein function. This variant has not been reported in the literature in individuals affected with NOTCH3-related conditions. The frequency data for this variant in the population databases is considered unreliable, as metrics indicate poor data quality at this position in the gnomAD database.

NM_000435.3(NOTCH3):c.2330C>T (p.Pro777Leu)

Gene: NOTCH3 (notch receptor 3; minus strand). Cytogenetic location: 19p13.12.
Variant type: single nucleotide variant.
Coding change: c.2330C>T on transcript NM_000435.3 (MANE Select); coding-DNA position 2330, C replaced by T.
Protein change: p.Pro777Leu; replaces proline 777 with leucine.
Molecular consequence: missense variant.
Genome position (GRCh38, 1-based): chr19:15,184,986, G>A on the plus strand (C>T on the coding strand, the complement: NOTCH3 is on the minus strand). VCF-style: chr19-15184986-G-A. GRCh37 (hg19) VCF-style: chr19-15295797-G-A.
Other names: short protein forms P777L.
Identifiers: ClinVar variation 2048021 (VCV002048021.4), dbSNP rs1166093165, ClinGen allele CA404520596.
Genomic context (GRCh38, chr19:15,184,986, plus strand): 5'-GAGCAGACAGGCAGCTGGCCAGGGGCAGACTCGCAGCGGCCCCCATGCTCACAGGGGTTC[G>A]GGGTGCAGGGGGAGAGGAGTTCACACTGACGTCCTGTTGGGGGTGGAAGAGAGGGAAGCA-3'
Protein context (NP_000426.2, residues 767-787): RQCELLSPCT[Pro777Leu]NPCEHGGRCE